The following is an entry in ClinVar:

NM_022047.4(DEF6):c.1329A>T (p.Gln443His)

Gene: DEF6 (DEF6 guanine nucleotide exchange factor; plus strand). Cytogenetic location: 6p21.31.
Variant type: single nucleotide variant.
Coding change: c.1329A>T on transcript NM_022047.4 (MANE Select); coding-DNA position 1329, A replaced by T.
Protein change: p.Gln443His; replaces glutamine 443 with histidine.
Molecular consequence: missense variant.
Genome position (GRCh38, 1-based): chr6:35,319,637, A>T. VCF-style: chr6-35319637-A-T. GRCh37 (hg19) VCF-style: chr6-35287414-A-T.
Other names: short protein forms Q443H.
Identifiers: ClinVar variation 1421622 (VCV001421622.3), dbSNP rs201871472, ClinGen allele CA3770915.
Genomic context (GRCh38, chr6:35,319,637, plus strand): 5'-GCAGCGGCAGCGCATCAAGGAGCTGGAGGAGATGCAGCAGCGGTTGCAGGAGGCCCTGCA[A>T]CTAGAGGTGAAAGCTCGGCGAGATGAAGAATCTGTGCGAATCGCTCAGACCAGGTAGGCC-3'
Protein context (NP_071330.3, residues 433-453): EMQQRLQEAL[Gln443His]LEVKARRDEE

ClinVar aggregate classification (germline): Uncertain significance (1 of 4 stars; one submission).

Allele frequency attached by ClinVar (database versions not stated): gnomAD 0.00004 and 0.00009; gnomAD exomes 0.00006 and 0.00013; TOPMed 0.00008; ExAC 0.00018; 1000 Genomes Project 30x 0.00078; 1000 Genomes Project 0.00080.
gnomAD v4.1: 106 of 1,613,772 alleles (0.0066%); highest among the groups gnomAD compares: East Asian, 0.23%; no homozygotes.

Submission:

Labcorp Genetics (formerly Invitae), Labcorp
Classification: Uncertain significance. Last evaluated: 2022-02-02. Review status: criteria provided, single submitter. Criteria: Invitae Variant Classification Sherloc (09022015). Collection method: clinical testing. Allele origin: germline.
Comment: This sequence change replaces glutamine, which is neutral and polar, with histidine, which is basic and polar, at codon 443 of the DEF6 protein (p.Gln443His). This variant is present in population databases (rs201871472, gnomAD 0.2%). This variant has not been reported in the literature in individuals affected with DEF6-related conditions. Algorithms developed to predict the effect of missense changes on protein structure and function output the following: SIFT: "Tolerated"; PolyPhen-2: "Benign"; Align-GVGD: "Class C0". The histidine amino acid residue is found in multiple mammalian species, which suggests that this missense change does not adversely affect protein function. In summary, the available evidence is currently insufficient to determine the role of this variant in disease. Therefore, it has been classified as a Variant of Uncertain Significance.